The following is an entry in ClinVar:

ClinVar aggregate classification (germline): Uncertain significance (1 of 4 stars; one submission).

Submission:

Labcorp Genetics (formerly Invitae), Labcorp
Classification: Uncertain significance. Last evaluated: 2023-12-07. Review status: criteria provided, single submitter. Criteria: Invitae Variant Classification Sherloc (09022015). Collection method: clinical testing. Allele origin: germline.
Comment: This sequence change replaces aspartic acid, which is acidic and polar, with glutamic acid, which is acidic and polar, at codon 245 of the WFS1 protein (p.Asp245Glu). This variant is not present in population databases (gnomAD no frequency). This variant has not been reported in the literature in individuals affected with WFS1-related conditions. ClinVar contains an entry for this variant (Variation ID: 1394790). Advanced modeling of protein sequence and biophysical properties (such as structural, functional, and spatial information, amino acid conservation, physicochemical variation, residue mobility, and thermodynamic stability) performed at Invitae indicates that this missense variant is not expected to disrupt WFS1 protein function with a negative predictive value of 95%. In summary, the available evidence is currently insufficient to determine the role of this variant in disease. Therefore, it has been classified as a Variant of Uncertain Significance.

NM_006005.3(WFS1):c.735T>G (p.Asp245Glu)

Gene: WFS1 (wolframin ER transmembrane glycoprotein; plus strand). Cytogenetic location: 4p16.1.
Variant type: single nucleotide variant.
Coding change: c.735T>G on transcript NM_006005.3 (MANE Select); coding-DNA position 735, T replaced by G.
Protein change: p.Asp245Glu; replaces aspartic acid 245 with glutamic acid.
Molecular consequence: missense variant.
Genome position (GRCh38, 1-based): chr4:6,295,063, T>G. VCF-style: chr4-6295063-T-G. GRCh37 (hg19) VCF-style: chr4-6296790-T-G.
Other names: c.735T>G, p.Asp245Glu (NM_001145853.1); short protein forms D245E.
Identifiers: ClinVar variation 1394790 (VCV001394790.8), dbSNP rs754741776, ClinGen allele CA356172424.
Genomic context (GRCh38, chr4:6,295,063, plus strand): 5'-AGTGTGGGGCGCCCATGCTGTTTTCTCTCATGCTTCAGCCAAGAACTACATCGCGCTGGA[T>G]GACTTTGTGGAGATCACTAAGAAGTACGCCAAGGGCGTCATCCCCAGCAGCCTGTTCCTG-3'
Protein context (NP_005996.2, residues 235-255): SSESKNYIAL[Asp245Glu]DFVEITKKYA